The following is an entry in ClinVar:

NM_006073.4(TRDN):c.721C>T (p.Gln241Ter)

Gene: TRDN (triadin; minus strand). Cytogenetic location: 6q22.31.
Variant type: single nucleotide variant.
Coding change: c.721C>T on transcript NM_006073.4 (MANE Select); coding-DNA position 721, C replaced by T.
Protein change: p.Gln241Ter; replaces glutamine 241 with a stop codon.
Molecular consequence: nonsense.
Genome position (GRCh38, 1-based): chr6:123,503,791, G>A on the plus strand (C>T on the coding strand, the complement: TRDN is on the minus strand). VCF-style: chr6-123503791-G-A. GRCh37 (hg19) VCF-style: chr6-123824936-G-A.
Other names: c.721C>T, p.Gln241Ter (NM_001251987.2, NM_001256020.2, NM_001256021.2 and 1 more transcripts); short protein forms Q241*.
Identifiers: ClinVar variation 3625835 (VCV003625835.2).

ClinVar aggregate classification (germline): Uncertain significance (1 of 4 stars; one submission).

Conditions:
Catecholaminergic polymorphic ventricular tachycardia 1. Also called: VENTRICULAR TACHYCARDIA, STRESS-INDUCED POLYMORPHIC 1; VENTRICULAR TACHYCARDIA, CATECHOLAMINERGIC POLYMORPHIC, 1, WITH OR WITHOUT ATRIAL DYSFUNCTION AND/OR DILATED CARDIOMYOPATHY; RYR2-Related Catecholaminergic Polymorphic Ventricular Tachycardia. Identifiers: Orphanet 3286, MedGen C1631597, MONDO:0011484, OMIM 604772.

Submission:

Labcorp Genetics (formerly Invitae), Labcorp
Classification: Uncertain significance for Catecholaminergic polymorphic ventricular tachycardia 1. Last evaluated: 2024-05-08. Review status: criteria provided, single submitter. Criteria: Invitae Variant Classification Sherloc (09022015). Collection method: clinical testing. Allele origin: germline.
Comment: This sequence change creates a premature translational stop signal (p.Gln241*) in the TRDN gene. While this is not anticipated to result in nonsense mediated decay, it is expected to disrupt the last 489 amino acid(s) of the TRDN protein. This variant is not present in population databases (gnomAD no frequency). This variant has not been reported in the literature in individuals affected with TRDN-related conditions. In summary, the available evidence is currently insufficient to determine the role of this variant in disease. Therefore, it has been classified as a Variant of Uncertain Significance.